The following is an entry in ClinVar:

ClinVar aggregate classification (germline): Uncertain significance (1 of 4 stars; one submission).

Allele frequency attached by ClinVar (database versions not stated): gnomAD exomes below 0.00001.
gnomAD v4.1: 1 of 1,610,312 alleles (0.000062%); highest among the groups gnomAD compares: Non-Finnish European, 0.000085%; no homozygotes.

Submission:

Labcorp Genetics (formerly Invitae), Labcorp
Classification: Uncertain significance. Last evaluated: 2021-09-09. Review status: criteria provided, single submitter. Criteria: Invitae Variant Classification Sherloc (09022015). Collection method: clinical testing. Allele origin: germline.
Comment: This sequence change replaces methionine with isoleucine at codon 639 of the ABCD3 protein (p.Met639Ile). The methionine residue is moderately conserved and there is a small physicochemical difference between methionine and isoleucine. This variant is not present in population databases (ExAC no frequency). This variant has not been reported in the literature in individuals affected with ABCD3-related conditions. Algorithms developed to predict the effect of missense changes on protein structure and function (SIFT, PolyPhen-2, Align-GVGD) all suggest that this variant is likely to be tolerated. Algorithms developed to predict the effect of sequence changes on RNA splicing suggest that this variant may create or strengthen a splice site. In summary, the available evidence is currently insufficient to determine the role of this variant in disease. Therefore, it has been classified as a Variant of Uncertain Significance.

NM_002858.4(ABCD3):c.1917G>A (p.Met639Ile)

Gene: ABCD3 (ATP binding cassette subfamily D member 3; plus strand). Cytogenetic location: 1p21.3.
Variant type: single nucleotide variant.
Coding change: c.1917G>A on transcript NM_002858.4 (MANE Select); coding-DNA position 1917, G replaced by A.
Protein change: p.Met639Ile; replaces methionine 639 with isoleucine.
Molecular consequence: missense variant.
Genome position (GRCh38, 1-based): chr1:94,517,066, G>A. VCF-style: chr1-94517066-G-A. GRCh37 (hg19) VCF-style: chr1-94982622-G-A.
Other names: short protein forms M639I.
Identifiers: ClinVar variation 1518138 (VCV001518138.6), dbSNP rs2101077146, ClinGen allele CA341291655.